The following is an entry in ClinVar:

ClinVar aggregate classification (germline): Uncertain significance (1 of 4 stars; one submission).

Conditions:
Koolen-de Vries syndrome (KDVS). Identifiers: Orphanet 96169, MedGen C1864871, MONDO:0012496, OMIM 610443.

Allele frequency attached by ClinVar (database versions not stated): ExAC 0.00001; gnomAD 0.00001; TOPMed 0.00001; gnomAD exomes 0.00002.
gnomAD v4.1: 38 of 1,612,474 alleles (0.0024%); highest among the groups gnomAD compares: Non-Finnish European, 0.0031%; no homozygotes.

Submission:

Labcorp Genetics (formerly Invitae), Labcorp
Classification: Uncertain significance for Koolen-de Vries syndrome. Last evaluated: 2025-03-09. Review status: criteria provided, single submitter. Criteria: Invitae Variant Classification Sherloc (09022015). Collection method: clinical testing. Allele origin: germline.
Comment: This sequence change replaces glutamine, which is neutral and polar, with glutamic acid, which is acidic and polar, at codon 1047 of the KANSL1 protein (p.Gln1047Glu). This variant is present in population databases (rs770548045, gnomAD 0.005%). This variant has not been reported in the literature in individuals affected with KANSL1-related conditions. ClinVar contains an entry for this variant (Variation ID: 1058220). Invitae Evidence Modeling of protein sequence and biophysical properties (such as structural, functional, and spatial information, amino acid conservation, physicochemical variation, residue mobility, and thermodynamic stability) indicates that this missense variant is not expected to disrupt KANSL1 protein function with a negative predictive value of 80%. In summary, the available evidence is currently insufficient to determine the role of this variant in disease. Therefore, it has been classified as a Variant of Uncertain Significance.

NM_015443.4(KANSL1):c.3139C>G (p.Gln1047Glu)

Gene: KANSL1 (KAT8 regulatory NSL complex subunit 1). Cytogenetic location: 17q21.31.
Variant type: single nucleotide variant.
Coding change: c.3139C>G on transcript NM_015443.4 (MANE Select); coding-DNA position 3139, C replaced by G.
Protein change: p.Gln1047Glu; replaces glutamine 1047 with glutamic acid.
Molecular consequence: missense variant.
Genome position (GRCh38, 1-based): chr17:46,031,655, G>C on the plus strand (C>G on the coding strand, the complement: KANSL1 is on the minus strand). VCF-style: chr17-46031655-G-C. GRCh37 (hg19) VCF-style: chr17-44109021-G-C.
Other names: c.3136C>G, p.Gln1046Glu (NM_001193465.2); c.3139C>G, p.Gln1047Glu (NM_001193466.2, NM_001379198.1); short protein forms Q1046E, Q1047E.
Identifiers: ClinVar variation 1058220 (VCV001058220.9), dbSNP rs770548045, ClinGen allele CA8618360.